The following is an entry in ClinVar:

ClinVar aggregate classification (germline): Likely pathogenic. Review status: criteria provided, single submitter (1 of 4 stars). 2 submissions from 2 submitters: Likely pathogenic (1). 1 of the submissions does not count toward it. Last evaluated 2020-07-09.

Conditions:
Leber congenital amaurosis 2 (LCA2). Also called: AMAUROSIS CONGENITA OF LEBER II; Autosomal Recessive RPE65-Related Retinal Degeneration. Identifiers: Orphanet 65, MedGen C1859844, MONDO:0008765, OMIM 204100. Disease mechanism: loss of function.
Retinitis pigmentosa 20 (RP20). Identifiers: Orphanet 791, MedGen C3151086, MONDO:0013425, OMIM 613794.
Leber congenital amaurosis (LCA). Also called: Leber's amaurosis. Identifiers: Orphanet 65, MedGen C0339527, MeSH D057130, MONDO:0018998.

Submissions (2):

Labcorp Genetics (formerly Invitae), Labcorp
Classification: Likely pathogenic for Leber congenital amaurosis 2; Retinitis pigmentosa 20. Last evaluated: 2020-07-09. Review status: criteria provided, single submitter. Criteria: Invitae Variant Classification Sherloc (09022015). Collection method: clinical testing. Allele origin: germline.
Comment: This variant is not present in population databases (ExAC no frequency). This sequence change results in a premature translational stop signal in the RPE65 gene (p.Glu469Leufs*14). While this is not anticipated to result in nonsense mediated decay, it is expected to disrupt the last 65 amino acids of the RPE65 protein. This variant has not been reported in the literature in individuals with RPE65-related conditions. This variant disrupts the p.Arg515 amino acid residue in RPE65. Other variant(s) that disrupt this residue have been determined to be pathogenic (PMID: 31273949, 15557452, 25495949, 25752820). This suggests that this residue is clinically significant, and that variants that disrupt this residue are likely to be disease-causing. In summary, the currently available evidence indicates that the variant is pathogenic, but additional data are needed to prove that conclusively. Therefore, this variant has been classified as Likely Pathogenic.

Natera, Inc.
Classification: Likely pathogenic for Leber congenital amaurosis. Last evaluated: 2020-04-07. Review status: no assertion criteria provided. Collection method: clinical testing. Allele origin: germline. Not counted in ClinVar's aggregate classification.

Literature cited by the submitters: PubMed 31273949 (cited by Labcorp Genetics (formerly Invitae), Labcorp); PubMed 15557452 (cited by Labcorp Genetics (formerly Invitae), Labcorp); PubMed 25495949 (cited by Labcorp Genetics (formerly Invitae), Labcorp); PubMed 25752820 (cited by Labcorp Genetics (formerly Invitae), Labcorp).

NM_000329.3(RPE65):c.1404_1413del (p.Glu469fs)

Gene: RPE65 (retinoid isomerohydrolase RPE65; minus strand). Cytogenetic location: 1p31.3.
Variant type: Deletion.
Coding change: c.1404_1413del on transcript NM_000329.3 (MANE Select); coding-DNA positions 1404 to 1413, 10 bases deleted (AGAACCCATC; older notation c.1404_1413delAGAACCCATC).
Protein change: p.Glu469fs; shifts the reading frame from glutamic acid 469.
Molecular consequence: frameshift variant.
Genome position (GRCh38, 1-based): chr1:68,431,102-68,431,111, GATGGGTTCT deleted on the plus strand (AGAACCCATC on the coding strand, the reverse complement: RPE65 is on the minus strand); deleting any 10 consecutive bases within chr1:68,431,102-68,431,118 gives the same sequence; the c. name uses the placement nearest the transcript's 3' end. VCF-style (leftmost placement, unchanged base first): chr1-68431101-AGATGGGTTCT-A. GRCh37 (hg19) VCF-style: chr1-68896784-AGATGGGTTCT-A.
Other names: short protein forms E469fs.
Identifiers: ClinVar variation 1066044 (VCV001066044.10), dbSNP rs2100806889, ClinGen allele CA2499214850.